The following is an entry in ClinVar:

ClinVar aggregate classification (germline): Uncertain significance (1 of 4 stars; one submission).

Conditions:
Familial adenomatous polyposis 1 (FAP1). Also called: FAMILIAL ADENOMATOUS POLYPOSIS 1, ATTENUATED; POLYPOSIS, ADENOMATOUS INTESTINAL. Identifiers: MedGen C2713442, MONDO:0021056, OMIM 175100. Disease mechanism: loss of function.

Submission:

Labcorp Genetics (formerly Invitae), Labcorp
Classification: Uncertain significance for Familial adenomatous polyposis 1. Last evaluated: 2025-06-18. Review status: criteria provided, single submitter. Criteria: Invitae Variant Classification Sherloc (09022015). Collection method: clinical testing. Allele origin: germline.
Comment: This sequence change replaces serine, which is neutral and polar, with proline, which is neutral and non-polar, at codon 21 of the APC protein (p.Ser21Pro). This variant is not present in population databases (gnomAD no frequency). This variant has not been reported in the literature in individuals affected with APC-related conditions. ClinVar contains an entry for this variant (Variation ID: 2010883). Invitae Evidence Modeling of protein sequence and biophysical properties (such as structural, functional, and spatial information, amino acid conservation, physicochemical variation, residue mobility, and thermodynamic stability) indicates that this missense variant is not expected to disrupt APC protein function with a negative predictive value of 95%. In summary, the available evidence is currently insufficient to determine the role of this variant in disease. Therefore, it has been classified as a Variant of Uncertain Significance.

NM_000038.6(APC):c.61T>C (p.Ser21Pro)

Gene: APC (APC regulator of Wnt signaling pathway; plus strand). Cytogenetic location: 5q22.2.
Variant type: single nucleotide variant.
Coding change: c.61T>C on transcript NM_000038.6 (MANE Select); coding-DNA position 61, T replaced by C.
Protein change: p.Ser21Pro; replaces serine 21 with proline.
Molecular consequence: missense variant. On other transcripts: 5 prime UTR variant (1), intron variant (8).
Genome position (GRCh38, 1-based): chr5:112,754,951, T>C. VCF-style: chr5-112754951-T-C. GRCh37 (hg19) VCF-style: chr5-112090648-T-C.
Other names: c.61T>C, p.Ser21Pro (NM_001127510.3, NM_001354895.2, NM_001354896.2 and 16 more transcripts); c.-975T>C (NM_001354906.2, NM_001407470.1, NM_001407471.1 and 1 more transcripts); c.166-11375T>C (NM_001354897.2, NM_001354902.2, NM_001127511.3); c.61-11375T>C (NM_001354898.2, NM_001354904.2); c.-42-11375T>C (NM_001354900.2, NM_001354901.2, NM_001354905.2); short protein forms S21P.
Identifiers: ClinVar variation 2010883 (VCV002010883.4), dbSNP rs2149737957, ClinGen allele CA16021474.